The following is an entry in ClinVar:

NM_006766.5(KAT6A):c.1043+4dup

Gene: KAT6A (lysine acetyltransferase 6A; minus strand). Cytogenetic location: 8p11.21.
Variant type: Duplication.
Coding change: c.1043+4dup on transcript NM_006766.5 (MANE Select); 4 bases into the intron after coding-DNA position 1043, one base duplicated (A; older notation c.1043+4dupA).
Molecular consequence: intron variant.
Genome position (GRCh38, 1-based): chr8:41,978,638, T duplicated on the plus strand (A on the coding strand, the reverse complement: KAT6A is on the minus strand); the first of 2 consecutive T bases (chr8:41,978,638-41,978,639); duplicating either gives the same sequence. VCF-style (leftmost placement, unchanged base first): chr8-41978637-C-CT. GRCh37 (hg19) VCF-style: chr8-41836155-C-CT.
Other names: c.1043+4dup (NM_001305878.2).
Identifiers: ClinVar variation 3684523 (VCV003684523.2).

ClinVar aggregate classification (germline): Uncertain significance (1 of 4 stars; one submission).

Submission:

Labcorp Genetics (formerly Invitae), Labcorp
Classification: Uncertain significance. Last evaluated: 2024-09-18. Review status: criteria provided, single submitter. Criteria: Invitae Variant Classification Sherloc (09022015). Collection method: clinical testing. Allele origin: germline.
Comment: This sequence change falls in intron 6 of the KAT6A gene. It does not directly change the encoded amino acid sequence of the KAT6A protein. It affects a nucleotide within the consensus splice site. This variant is not present in population databases (gnomAD no frequency). This variant has not been reported in the literature in individuals affected with KAT6A-related conditions. Variants that disrupt the consensus splice site are a relatively common cause of aberrant splicing (PMID: 17576681, 9536098). Algorithms developed to predict the effect of sequence changes on RNA splicing suggest that this variant may disrupt the consensus splice site. In summary, the available evidence is currently insufficient to determine the role of this variant in disease. Therefore, it has been classified as a Variant of Uncertain Significance.

Literature cited by the submitters: PubMed 17576681; PubMed 9536098.